The following is an entry in ClinVar:

NM_017636.4(TRPM4):c.3212C>T (p.Ser1071Phe)

Gene: TRPM4 (transient receptor potential cation channel subfamily M member 4; plus strand). Cytogenetic location: 19q13.33.
Variant type: single nucleotide variant.
Coding change: c.3212C>T on transcript NM_017636.4 (MANE Select); coding-DNA position 3212, C replaced by T.
Protein change: p.Ser1071Phe; replaces serine 1071 with phenylalanine.
Molecular consequence: missense variant.
Genome position (GRCh38, 1-based): chr19:49,210,289, C>T. VCF-style: chr19-49210289-C-T. GRCh37 (hg19) VCF-style: chr19-49713546-C-T.
Other names: c.2777C>T, p.Ser926Phe (NM_001195227.2); c.2867C>T, p.Ser956Phe (NM_001321281.2); c.1604C>T, p.Ser535Phe (NM_001321282.2); c.2690C>T, p.Ser897Phe (NM_001321283.2); c.2150C>T, p.Ser717Phe (NM_001321285.2); short protein forms S1071F, S535F, S717F, S897F, S926F, S956F.
Identifiers: ClinVar variation 3368682 (VCV003368682.1).

ClinVar aggregate classification (germline): Uncertain significance (1 of 4 stars; one submission).

gnomAD v4.1: 2 of 1,614,254 alleles (0.00012%); highest among the groups gnomAD compares: Non-Finnish European, 0.00017%; no homozygotes.

Submission:

GeneDx
Classification: Uncertain significance. Last evaluated: 2024-02-06. Review status: criteria provided, single submitter. Criteria: GeneDx Variant Classification Process June 2021. Collection method: clinical testing. Allele origin: germline. Affected: yes.
Comment: Not observed at significant frequency in large population cohorts (gnomAD); In silico analysis supports that this missense variant has a deleterious effect on protein structure/function; Has not been previously published as pathogenic or benign to our knowledge